The following is an entry in ClinVar:

NM_078470.6(COX15):c.535G>A (p.Gly179Ser)

Gene: COX15 (cytochrome c oxidase assembly homolog COX15; minus strand). Cytogenetic location: 10q24.2.
Variant type: single nucleotide variant.
Coding change: c.535G>A on transcript NM_078470.6 (MANE Select); coding-DNA position 535, G replaced by A.
Protein change: p.Gly179Ser; replaces glycine 179 with serine.
Molecular consequence: missense variant. On other transcripts: 5 prime UTR variant (1), non-coding transcript variant (1).
Genome position (GRCh38, 1-based): chr10:99,727,015, C>T on the plus strand (G>A on the coding strand, the complement: COX15 is on the minus strand). VCF-style: chr10-99727015-C-T. GRCh37 (hg19) VCF-style: chr10-101486772-C-T.
Other names: c.535G>A, p.Gly179Ser (NM_001320974.2, NM_001320975.2, NM_001372024.1 and 5 more transcripts); c.-3G>A (NM_001320976.2); short protein forms G179S.
Identifiers: ClinVar variation 1963893 (VCV001963893.4), dbSNP rs2492721580, ClinGen allele CA378087406.

ClinVar aggregate classification (germline): Uncertain significance. Review status: criteria provided, multiple submitters, no conflicts (2 of 4 stars). 2 submissions from 2 submitters: Uncertain significance (2). Last evaluated 2023-05-09.

Conditions:
Inborn genetic diseases. Identifiers: MedGen C0950123, MeSH D030342.

Submissions (2):

Ambry Genetics
Classification: Uncertain significance for Inborn genetic diseases. Last evaluated: 2023-05-09. Review status: criteria provided, single submitter. Criteria: Ambry Variant Classification Scheme 2023. Collection method: clinical testing. Allele origin: germline.

Labcorp Genetics (formerly Invitae), Labcorp
Classification: Uncertain significance. Last evaluated: 2022-03-04. Review status: criteria provided, single submitter. Criteria: Invitae Variant Classification Sherloc (09022015). Collection method: clinical testing. Allele origin: germline.
Comment: This sequence change replaces glycine, which is neutral and non-polar, with serine, which is neutral and polar, at codon 179 of the COX15 protein (p.Gly179Ser). This variant is not present in population databases (gnomAD no frequency). This variant has not been reported in the literature in individuals affected with COX15-related conditions. Algorithms developed to predict the effect of missense changes on protein structure and function are either unavailable or do not agree on the potential impact of this missense change (SIFT: "Not Available"; PolyPhen-2: "Benign"; Align-GVGD: "Not Available"). In summary, the available evidence is currently insufficient to determine the role of this variant in disease. Therefore, it has been classified as a Variant of Uncertain Significance.